The following continues an entry in ClinVar:

NM_000492.4(CFTR):c.3744del (p.Lys1250fs)

ClinVar aggregate classification (germline): Pathogenic. Pathogenic (1).

Submissions 13 to 19 of 19:

Clinical Genetics Laboratory, Skane University Hospital Lund
Classification: Pathogenic. Last evaluated: 2022-05-27. Review status: criteria provided, single submitter. Criteria: ACMG Guidelines, 2015. Collection method: clinical testing. Allele origin: germline. Affected: yes. Not counted in ClinVar's aggregate classification.

Blueprint Genetics
Classification: Pathogenic for CFTR-related disorders. Last evaluated: 2021-04-22. Review status: criteria provided, single submitter. Criteria: ACMG Guidelines, 2015. Collection method: clinical testing. Allele origin: germline. Affected: yes. Observed: 2 variant alleles. Not counted in ClinVar's aggregate classification.

Johns Hopkins Genomics, Johns Hopkins University
Classification: Pathogenic for Cystic fibrosis. Last evaluated: 2020-01-07. Review status: criteria provided, single submitter. Criteria: ACMG Guidelines, 2015. Collection method: clinical testing. Allele origin: germline. Not counted in ClinVar's aggregate classification.
Comment: See CFTR2 for phenotype information.

Myriad Genetics, Inc.
Classification: Pathogenic for Cystic fibrosis. Last evaluated: 2019-11-20. Review status: criteria provided, single submitter. Criteria: Myriad Women's Health Autosomal Recessive and X-Linked Classification Criteria (2019). Collection method: clinical testing. Allele origin: unknown. Not counted in ClinVar's aggregate classification.
Comment: NM_000492.3(CFTR):c.3744delA(K1250Rfs*9, aka 3876delA) is classified as pathogenic in the context of cystic fibrosis and is associated with the classic form of this disease. Sources cited for classification include the following: PMID 23974870. Classification of NM_000492.3(CFTR):c.3744delA(K1250Rfs*9, aka 3876delA) is based on the following criteria: The variant causes a premature termination codon that is expected to be targeted by nonsense-mediated mRNA decay and is reported in individuals with the relevant phenotype. Please note: this variant was assessed in the context of healthy population screening.

Quest Diagnostics Nichols Institute San Juan Capistrano
Classification: Pathogenic. Last evaluated: 2019-10-16. Review status: criteria provided, single submitter. Criteria: Quest Diagnostics criteria. Collection method: clinical testing. Allele origin: unknown. Not counted in ClinVar's aggregate classification.
Comment: The variant results in a shift of the reading frame, and is therefore predicted to result in the loss of a functional protein. Found in at least one patient with expected phenotype for this gene, and found in general population data at a frequency that is consistent with pathogenicity.

Baylor Genetics
Classification: Pathogenic for Congenital bilateral aplasia of vas deferens from CFTR mutation; Cystic fibrosis. Review status: criteria provided, single submitter. Criteria: ACMG Guidelines, 2015. Collection method: clinical testing. Allele origin: germline. Not counted in ClinVar's aggregate classification.

OMIM
Classification: Pathogenic for CYSTIC FIBROSIS. Last evaluated: 2000-03-01. Review status: no assertion criteria provided. Collection method: literature only. Allele origin: germline. Not counted in ClinVar's aggregate classification.

Literature cited by the submitters: PubMed 1695717 (cited by Labcorp Genetics (formerly Invitae), Labcorp); PubMed 7691345 (cited by Labcorp Genetics (formerly Invitae), Labcorp); PubMed 9725922 (cited by Labcorp Genetics (formerly Invitae), Labcorp); PubMed 10777364 (cited by 7 submitters); PubMed 11668613 (cited by Labcorp Genetics (formerly Invitae), Labcorp and Ambry Genetics); PubMed 12865275 (cited by Labcorp Genetics (formerly Invitae), Labcorp); PubMed 15371903 (cited by Labcorp Genetics (formerly Invitae), Labcorp and Ambry Genetics); PubMed 15858154 (cited by Labcorp Genetics (formerly Invitae), Labcorp and Ambry Genetics); PubMed 22658665 (cited by Labcorp Genetics (formerly Invitae), Labcorp and Quest Diagnostics Nichols Institute San Juan Capistrano); PubMed 23974870 (cited by 3 submitters); PubMed 26708955 (cited by Labcorp Genetics (formerly Invitae), Labcorp); PubMed 11038458 (cited by Ambry Genetics); PubMed 15365999 (cited by Ambry Genetics and Quest Diagnostics Nichols Institute San Juan Capistrano); PubMed 29261177 (cited by Quest Diagnostics Nichols Institute San Juan Capistrano); PubMed 22975760 (cited by Quest Diagnostics Nichols Institute San Juan Capistrano); PubMed 18456578 (cited by Quest Diagnostics Nichols Institute San Juan Capistrano); PubMed 23810505 (cited by Quest Diagnostics Nichols Institute San Juan Capistrano).